The following is an entry in ClinVar:

ClinVar aggregate classification (germline): Uncertain significance (1 of 4 stars; one submission).

Conditions:
Hepatic veno-occlusive disease-immunodeficiency syndrome. Also called: Hepatic Veno-Occlusive Disease with Immunodeficiency. Identifiers: Orphanet 79124, MedGen C1856128, MONDO:0009338, OMIM 235550. Disease mechanism: loss of function.

Allele frequency attached by ClinVar (database versions not stated): gnomAD exomes 0.00001.
gnomAD v4.1: 16 of 1,613,000 alleles (0.00099%); highest among the groups gnomAD compares: Middle Eastern, 0.017%; no homozygotes.

Submission:

Labcorp Genetics (formerly Invitae), Labcorp
Classification: Uncertain significance for Hepatic veno-occlusive disease-immunodeficiency syndrome. Last evaluated: 2021-08-27. Review status: criteria provided, single submitter. Criteria: Invitae Variant Classification Sherloc (09022015). Collection method: clinical testing. Allele origin: germline.
Comment: This sequence change replaces alanine with valine at codon 471 of the SP110 protein (p.Ala471Val). The alanine residue is moderately conserved and there is a small physicochemical difference between alanine and valine. This variant is not present in population databases (ExAC no frequency). This variant has not been reported in the literature in individuals affected with SP110-related conditions. Algorithms developed to predict the effect of missense changes on protein structure and function output the following: SIFT: "Deleterious"; PolyPhen-2: "Possibly Damaging"; Align-GVGD: "Class C0". The valine amino acid residue is found in multiple mammalian species, which suggests that this missense change does not adversely affect protein function. Algorithms developed to predict the effect of sequence changes on RNA splicing suggest that this variant may create or strengthen a splice site. In summary, the available evidence is currently insufficient to determine the role of this variant in disease. Therefore, it has been classified as a Variant of Uncertain Significance.

NM_080424.4(SP110):c.1412C>T (p.Ala471Val)

Gene: SP110 (SP110 nuclear body protein; minus strand). Cytogenetic location: 2q37.1.
Variant type: single nucleotide variant.
Coding change: c.1412C>T on transcript NM_080424.4 (MANE Select); coding-DNA position 1412, C replaced by T.
Protein change: p.Ala471Val; replaces alanine 471 with valine.
Molecular consequence: missense variant.
Genome position (GRCh38, 1-based): chr2:230,178,192, G>A on the plus strand (C>T on the coding strand, the complement: SP110 is on the minus strand). VCF-style: chr2-230178192-G-A. GRCh37 (hg19) VCF-style: chr2-231042908-G-A.
Other names: c.1430C>T, p.Ala477Val (NM_001185015.2, NM_001378442.1, NM_001378444.1 and 2 more transcripts); c.1412C>T, p.Ala471Val (NM_001378443.1, NM_004509.5, NM_004510.4); c.1262C>T, p.Ala421Val (NM_001378447.1); short protein forms A421V, A471V, A477V.
Identifiers: ClinVar variation 1438840 (VCV001438840.5), dbSNP rs774900609, ClinGen allele CA350904297.